The following is an entry in ClinVar:

NM_003119.4(SPG7):c.2296G>A (p.Ala766Thr)

Gene: SPG7 (SPG7 matrix AAA peptidase subunit, paraplegin; plus strand). Cytogenetic location: 16q24.3.
Variant type: single nucleotide variant.
Coding change: c.2296G>A on transcript NM_003119.4 (MANE Select); coding-DNA position 2296, G replaced by A.
Protein change: p.Ala766Thr; replaces alanine 766 with threonine.
Molecular consequence: missense variant. On other transcripts: 3 prime UTR variant (1).
Genome position (GRCh38, 1-based): chr16:89,557,001, G>A. VCF-style: chr16-89557001-G-A. GRCh37 (hg19) VCF-style: chr16-89623409-G-A.
Other names: c.*74G>A (NM_001363850.1); short protein forms A766T.
Identifiers: ClinVar variation 2172350 (VCV002172350.4), dbSNP rs765234422, ClinGen allele CA8244647.

ClinVar aggregate classification (germline): Uncertain significance (1 of 4 stars; one submission).

Conditions:
Hereditary spastic paraplegia 7 (SPG7). Also called: Spastic paraplegia 7; Hereditary spastic paraplegia Paraplegin type; SPG7-related neurologic disorder; SPASTIC PARAPLEGIA 7, AUTOSOMAL RECESSIVE, WITH OR WITHOUT CEREBELLAR ATAXIA; Autosomal recessive spastic paraplegia type 7. Identifiers: Orphanet 99013, MedGen C1846564, MONDO:0011803, OMIM 607259.

Allele frequency attached by ClinVar (database versions not stated): ExAC 0.00001; gnomAD exomes 0.00001.
gnomAD v4.1: 3 of 1,613,848 alleles (0.00019%); highest among the groups gnomAD compares: South Asian, 0.0033%; no homozygotes.

Submission:

Labcorp Genetics (formerly Invitae), Labcorp
Classification: Uncertain significance for Hereditary spastic paraplegia 7. Last evaluated: 2024-12-16. Review status: criteria provided, single submitter. Criteria: Invitae Variant Classification Sherloc (09022015). Collection method: clinical testing. Allele origin: germline.
Comment: This sequence change replaces alanine, which is neutral and non-polar, with threonine, which is neutral and polar, at codon 766 of the SPG7 protein (p.Ala766Thr). This variant is present in population databases (rs765234422, gnomAD 0.01%). This variant has not been reported in the literature in individuals affected with SPG7-related conditions. ClinVar contains an entry for this variant (Variation ID: 2172350). Invitae Evidence Modeling of protein sequence and biophysical properties (such as structural, functional, and spatial information, amino acid conservation, physicochemical variation, residue mobility, and thermodynamic stability) has been performed for this missense variant. However, the output from this modeling did not meet the statistical confidence thresholds required to predict the impact of this variant on SPG7 protein function. In summary, the available evidence is currently insufficient to determine the role of this variant in disease. Therefore, it has been classified as a Variant of Uncertain Significance.